The following is an entry in ClinVar:

NM_001851.6(COL9A1):c.2590G>A (p.Gly864Ser)

Gene: COL9A1 (collagen type IX alpha 1 chain; minus strand). Cytogenetic location: 6q13.
Variant type: single nucleotide variant.
Coding change: c.2590G>A on transcript NM_001851.6 (MANE Select); coding-DNA position 2590, G replaced by A.
Protein change: p.Gly864Ser; replaces glycine 864 with serine.
Molecular consequence: missense variant. On other transcripts: non-coding transcript variant (1).
Genome position (GRCh38, 1-based): chr6:70,217,073, C>T on the plus strand (G>A on the coding strand, the complement: COL9A1 is on the minus strand). VCF-style: chr6-70217073-C-T. GRCh37 (hg19) VCF-style: chr6-70926776-C-T.
Other names: c.1891G>A, p.Gly631Ser (NM_001377289.1); c.1714G>A, p.Gly572Ser (NM_001377290.1); c.1861G>A, p.Gly621Ser (NM_078485.4); short protein forms G864S, G621S, G572S, G631S.
Identifiers: ClinVar variation 288157 (VCV000288157.12), dbSNP rs745421286, ClinGen allele CA10605983.

ClinVar aggregate classification (germline): Uncertain significance. Review status: criteria provided, multiple submitters, no conflicts (2 of 4 stars). 4 submissions from 4 submitters: Uncertain significance (4). Last evaluated 2024-10-29.

Allele frequency attached by ClinVar (database versions not stated): TOPMed below 0.00001; gnomAD 0.00001.
gnomAD v4.1: 20 of 1,613,894 alleles (0.0012%); highest among the groups gnomAD compares: Middle Eastern, 0.016%; no homozygotes.

Submissions (4):

Labcorp Genetics (formerly Invitae), Labcorp
Classification: Uncertain significance. Last evaluated: 2024-10-29. Review status: criteria provided, single submitter. Criteria: Invitae Variant Classification Sherloc (09022015). Collection method: clinical testing. Allele origin: germline.
Comment: This sequence change replaces glycine, which is neutral and non-polar, with serine, which is neutral and polar, at codon 864 of the COL9A1 protein (p.Gly864Ser). This variant is present in population databases (no rsID available, gnomAD 0.002%). This variant has not been reported in the literature in individuals affected with COL9A1-related conditions. ClinVar contains an entry for this variant (Variation ID: 288157). Invitae Evidence Modeling of protein sequence and biophysical properties (such as structural, functional, and spatial information, amino acid conservation, physicochemical variation, residue mobility, and thermodynamic stability) indicates that this missense variant is expected to disrupt COL9A1 protein function with a positive predictive value of 95%. In summary, the available evidence is currently insufficient to determine the role of this variant in disease. Therefore, it has been classified as a Variant of Uncertain Significance.

Blueprint Genetics
Classification: Uncertain significance. Last evaluated: 2023-09-20. Review status: criteria provided, single submitter. Criteria: ACMG Guidelines, 2015. Collection method: clinical testing. Allele origin: germline.

GeneDx
Classification: Uncertain significance. Last evaluated: 2022-07-06. Review status: criteria provided, single submitter. Criteria: GeneDx Variant Classification Process June 2021. Collection method: clinical testing. Allele origin: germline. Affected: yes.
Comment: Not observed at significant frequency in large population cohorts (gnomAD); In silico analysis supports that this missense variant has a deleterious effect on protein structure/function; Has not been previously published as pathogenic or benign to our knowledge

Eurofins Ntd Llc (ga)
Classification: Uncertain significance. Last evaluated: 2016-06-14. Review status: criteria provided, single submitter. Criteria: EGL Classification Definitions 2015. Collection method: clinical testing. Allele origin: germline. Observed: 1 variant allele, 1 heterozygote.